The following is an entry in ClinVar:

NM_016341.4(PLCE1):c.3359G>A (p.Gly1120Asp)

Gene: PLCE1 (phospholipase C epsilon 1; plus strand). Cytogenetic location: 10q23.33.
Variant type: single nucleotide variant.
Coding change: c.3359G>A on transcript NM_016341.4 (MANE Select); coding-DNA position 3359, G replaced by A.
Protein change: p.Gly1120Asp; replaces glycine 1120 with aspartic acid.
Molecular consequence: missense variant.
Genome position (GRCh38, 1-based): chr10:94,254,269, G>A. VCF-style: chr10-94254269-G-A. GRCh37 (hg19) VCF-style: chr10-96014026-G-A.
Other names: c.2435G>A, p.Gly812Asp (NM_001165979.2); c.3359G>A, p.Gly1120Asp (NM_001288989.2); short protein forms G1120D, G812D.
Identifiers: ClinVar variation 1908513 (VCV001908513.5), dbSNP rs372493357, ClinGen allele CA211617398.

ClinVar aggregate classification (germline): Uncertain significance (1 of 4 stars; one submission).

gnomAD v4.1: 11 of 1,613,902 alleles (0.00068%); highest among the groups gnomAD compares: African/African-American, 0.0067%; no homozygotes.

Submission:

Labcorp Genetics (formerly Invitae), Labcorp
Classification: Uncertain significance. Last evaluated: 2025-06-12. Review status: criteria provided, single submitter. Criteria: Invitae Variant Classification Sherloc (09022015). Collection method: clinical testing. Allele origin: germline.
Comment: This sequence change replaces glycine, which is neutral and non-polar, with aspartic acid, which is acidic and polar, at codon 1120 of the PLCE1 protein (p.Gly1120Asp). This variant is not present in population databases (gnomAD no frequency). This variant has not been reported in the literature in individuals affected with PLCE1-related conditions. ClinVar contains an entry for this variant (Variation ID: 1908513). Invitae Evidence Modeling of protein sequence and biophysical properties (such as structural, functional, and spatial information, amino acid conservation, physicochemical variation, residue mobility, and thermodynamic stability) indicates that this missense variant is not expected to disrupt PLCE1 protein function with a negative predictive value of 80%. In summary, the available evidence is currently insufficient to determine the role of this variant in disease. Therefore, it has been classified as a Variant of Uncertain Significance.